The following is an entry in ClinVar:

NM_000038.6(APC):c.6223G>A (p.Asp2075Asn)

Gene: APC (APC regulator of Wnt signaling pathway; plus strand). Cytogenetic location: 5q22.2.
Variant type: single nucleotide variant.
Coding change: c.6223G>A on transcript NM_000038.6 (MANE Select); coding-DNA position 6223, G replaced by A.
Protein change: p.Asp2075Asn; replaces aspartic acid 2075 with asparagine.
Molecular consequence: missense variant.
Genome position (GRCh38, 1-based): chr5:112,841,817, G>A. VCF-style: chr5-112841817-G-A. GRCh37 (hg19) VCF-style: chr5-112177514-G-A.
Other names: c.6223G>A, p.Asp2075Asn (NM_001127510.3, NM_001354895.2); c.6169G>A, p.Asp2057Asn (NM_001127511.3); c.6277G>A, p.Asp2093Asn (NM_001354896.2); c.6253G>A, p.Asp2085Asn (NM_001354897.2); c.6148G>A, p.Asp2050Asn (NM_001354898.2); c.6139G>A, p.Asp2047Asn (NM_001354899.2); c.6100G>A, p.Asp2034Asn (NM_001354900.2); c.6046G>A, p.Asp2016Asn (NM_001354901.2); and 5 more; short protein forms D2057N, D2075N, D1949N, D1974N, D2016N, D2034N, D2047N, D2093N.
Identifiers: ClinVar variation 411382 (VCV000411382.19), dbSNP rs754004343, ClinGen allele CA16034962.

ClinVar aggregate classification (germline): Uncertain significance. Review status: criteria provided, multiple submitters, no conflicts (2 of 4 stars). 4 submissions from 4 submitters: Uncertain significance (4). Last evaluated 2026-06-16.

Conditions:
Hereditary cancer-predisposing syndrome. Also called: Tumor predisposition; Hereditary neoplastic syndrome; Hereditary Cancer Syndrome; Neoplastic Syndromes, Hereditary. Identifiers: Orphanet 140162, MedGen C0027672, MeSH D009386, MONDO:0015356.
Familial adenomatous polyposis 1 (FAP1). Also called: FAMILIAL ADENOMATOUS POLYPOSIS 1, ATTENUATED; POLYPOSIS, ADENOMATOUS INTESTINAL. Identifiers: MedGen C2713442, MONDO:0021056, OMIM 175100. Disease mechanism: loss of function.

gnomAD v4.1: 1 of 1,614,012 alleles (0.000062%); highest among the groups gnomAD compares: Non-Finnish European, 0.000085%; no homozygotes.

Submissions (4):

Ambry Genetics
Classification: Uncertain significance for Hereditary cancer-predisposing syndrome. Last evaluated: 2026-06-16. Review status: criteria provided, single submitter. Criteria: Ambry Variant Classification Scheme 2023. Collection method: clinical testing. Allele origin: germline.
Comment: The p.D2075N variant (also known as c.6223G>A), located in coding exon 15 of the APC gene, results from a G to A substitution at nucleotide position 6223. The aspartic acid at codon 2075 is replaced by asparagine, an amino acid with highly similar properties. This amino acid position is conserved. In addition, in silico predictors for this gene do not accurately predict pathogenicity. Based on the available evidence, the clinical significance of this variant remains unclear.

CeGaT Center for Human Genetics Tuebingen
Classification: Uncertain significance. Last evaluated: 2025-11-01. Review status: criteria provided, single submitter. Criteria: CeGaT Center For Human Genetics Tuebingen Variant Classification Criteria Version 2. Collection method: clinical testing. Allele origin: germline. Affected: yes. Observed: 1 variant allele.
Comment: APC: PM2

Color Diagnostics, LLC DBA Color Health
Classification: Uncertain significance for Hereditary cancer-predisposing syndrome. Last evaluated: 2025-08-07. Review status: criteria provided, single submitter. Criteria: ACMG Guidelines, 2015. Collection method: clinical testing. Allele origin: germline.
Comment: This missense variant replaces aspartic acid with asparagine at codon 2075 of the APC protein. Computational prediction suggests that this variant may not impact protein structure and function. To our knowledge, functional studies have not been reported for this variant. This variant has not been reported in individuals affected with APC-related disorders in the literature. This variant has not been identified in the general population by the Genome Aggregation Database (gnomAD). The available evidence is insufficient to determine the role of this variant in disease conclusively. Therefore, this variant is classified as a Variant of Uncertain Significance.

Labcorp Genetics (formerly Invitae), Labcorp
Classification: Uncertain significance for Familial adenomatous polyposis 1. Last evaluated: 2025-07-31. Review status: criteria provided, single submitter. Criteria: Invitae Variant Classification Sherloc (09022015). Collection method: clinical testing. Allele origin: germline.
Comment: This sequence change replaces aspartic acid, which is acidic and polar, with asparagine, which is neutral and polar, at codon 2075 of the APC protein (p.Asp2075Asn). This variant is not present in population databases (gnomAD no frequency). This variant has not been reported in the literature in individuals affected with APC-related conditions. ClinVar contains an entry for this variant (Variation ID: 411382). Invitae Evidence Modeling of protein sequence and biophysical properties (such as structural, functional, and spatial information, amino acid conservation, physicochemical variation, residue mobility, and thermodynamic stability) indicates that this missense variant is not expected to disrupt APC protein function with a negative predictive value of 95%. In summary, the available evidence is currently insufficient to determine the role of this variant in disease. Therefore, it has been classified as a Variant of Uncertain Significance.